The following is an entry in ClinVar:

NM_003803.4(MYOM1):c.2731C>T (p.Pro911Ser)

Gene: MYOM1 (myomesin 1; minus strand). Cytogenetic location: 18p11.31.
Variant type: single nucleotide variant.
Coding change: c.2731C>T on transcript NM_003803.4 (MANE Select); coding-DNA position 2731, C replaced by T.
Protein change: p.Pro911Ser; replaces proline 911 with serine.
Molecular consequence: missense variant. On other transcripts: intron variant (1).
Genome position (GRCh38, 1-based): chr18:3,129,295, G>A on the plus strand (C>T on the coding strand, the complement: MYOM1 is on the minus strand). VCF-style: chr18-3129295-G-A. GRCh37 (hg19) VCF-style: chr18-3129293-G-A.
Other names: c.2506+2080C>T (NM_019856.2); short protein forms P911S.
Identifiers: ClinVar variation 2162973 (VCV002162973.4), dbSNP rs960241033, ClinGen allele CA295515428.

ClinVar aggregate classification (germline): Uncertain significance (1 of 4 stars; one submission).

Conditions:
Hypertrophic cardiomyopathy. Also called: HYPERTROPHIC MYOCARDIOPATHY. Identifiers: Orphanet 217569, MedGen C0007194, MeSH D002312, MONDO:0005045, HP:0001639.

Allele frequency attached by ClinVar (database versions not stated): gnomAD exomes below 0.00001.
gnomAD v4.1: 1 of 1,613,984 alleles (0.000062%); highest among the groups gnomAD compares: Admixed American, 0.0017%; no homozygotes.

Submission:

Labcorp Genetics (formerly Invitae), Labcorp
Classification: Uncertain significance for Hypertrophic cardiomyopathy. Last evaluated: 2025-07-05. Review status: criteria provided, single submitter. Criteria: Invitae Variant Classification Sherloc (09022015). Collection method: clinical testing. Allele origin: germline.
Comment: This sequence change replaces proline, which is neutral and non-polar, with serine, which is neutral and polar, at codon 911 of the MYOM1 protein (p.Pro911Ser). This variant is present in population databases (no rsID available, gnomAD 0.003%). This variant has not been reported in the literature in individuals affected with MYOM1-related conditions. ClinVar contains an entry for this variant (Variation ID: 2162973). An algorithm developed to predict the effect of missense changes on protein structure and function outputs the following: PolyPhen-2: "Benign". The serine amino acid residue is found in multiple mammalian species, which suggests that this missense change does not adversely affect protein function. In summary, the available evidence is currently insufficient to determine the role of this variant in disease. Therefore, it has been classified as a Variant of Uncertain Significance.